The following is an entry in ClinVar:

NM_001142864.4(PIEZO1):c.6854G>A (p.Arg2285His)

Gene: PIEZO1 (piezo type mechanosensitive ion channel component 1 (Er blood group); minus strand). Cytogenetic location: 16q24.3.
Variant type: single nucleotide variant.
Coding change: c.6854G>A on transcript NM_001142864.4 (MANE Select); coding-DNA position 6854, G replaced by A.
Protein change: p.Arg2285His; replaces arginine 2285 with histidine.
Molecular consequence: missense variant.
Genome position (GRCh38, 1-based): chr16:88,716,631, C>T on the plus strand (G>A on the coding strand, the complement: PIEZO1 is on the minus strand). VCF-style: chr16-88716631-C-T. GRCh37 (hg19) VCF-style: chr16-88783039-C-T.
Other names: c.5396G>A, p.Arg1799His (NM_014745.1); c.6854G>A (NM_001142864.3); short protein forms R2285H, R1799H.
Identifiers: ClinVar variation 2513909 (VCV002513909.5), dbSNP rs775401667, ClinGen allele CA8231469.

ClinVar aggregate classification (germline): Uncertain significance. Review status: criteria provided, multiple submitters, no conflicts (2 of 4 stars). 3 submissions from 3 submitters: Uncertain significance (3). Last evaluated 2025-08-28.

Conditions:
Lymphatic malformation 6 (LMPHM6). Also called: GENERALIZED LYMPHATIC DYSPLASIA OF FOTIOU; Lymphedema, hereditary, III; PIEZO1-related generalized lymphatic dysplasia with non-immune hydrops fetalis. Identifiers: Orphanet 568062, MedGen C4225184, MONDO:0014797, OMIM 616843.
PIEZO1-related disorder. Also called: PIEZO1-related condition; PIEZO1-Related Disorders.
Inborn genetic diseases. Identifiers: MedGen C0950123, MeSH D030342.

Allele frequency attached by ClinVar (database versions not stated): ExAC 0.00005; TOPMed 0.00007; gnomAD 0.00015.
gnomAD v4.1: 94 of 1,549,738 alleles (0.0061%); highest among the groups gnomAD compares: Admixed American, 0.049%; no homozygotes.

Submissions (3):

Ambry Genetics
Classification: Uncertain significance for Inborn genetic diseases. Last evaluated: 2025-08-28. Review status: criteria provided, single submitter. Criteria: Ambry Variant Classification Scheme 2023. Collection method: clinical testing. Allele origin: germline.

PreventionGenetics, part of Exact Sciences
Classification: Uncertain significance for PIEZO1-related condition. Last evaluated: 2025-07-01. Review status: criteria provided, single submitter. Criteria: ACMG Guidelines, 2015. Collection method: clinical testing. Allele origin: germline.
Comment: The PIEZO1 c.6854G>A variant is predicted to result in the amino acid substitution p.Arg2285His. To our knowledge, this variant has not been reported in the literature. This variant is reported in 0.027% of alleles in individuals of Latino descent in gnomAD. At this time, the clinical significance of this variant is uncertain due to the absence of conclusive functional and genetic evidence.

Clinical Genomics Laboratory, Washington University in St. Louis
Classification: Uncertain significance for Lymphatic malformation 6. Last evaluated: 2024-12-21. Review status: criteria provided, single submitter. Criteria: ACMG Guidelines, 2015. Collection method: clinical testing. Allele origin: germline.
Comment: A PIEZO1 c.6854G>A (p.Arg2285His) variant was identified at a heterozygous allelic fraction of 51.2%, a frequency which may be consistent with germline origin. This variant, to our knowledge, has not been reported in the medical literature and is absent from the general population (gnomAD v.4.1.0), indicating it is not a common variant. It has been reported in the ClinVar database as a germline variant of uncertain significance by one submitter (ClinVar variation ID: 2513909). Computational predictors are uncertain as to the impact of this variant on PIEZO1 function. Due to limited information, and based on ACMG/AMP guidelines for variant interpretation (Richards S et al., PMID: 25741868), the clinical significance of this variant is uncertain at this time.